The following is an entry in ClinVar:

NM_032043.3(BRIP1):c.1661del (p.Gln554fs)

Gene: BRIP1 (BRCA1 interacting DNA helicase 1; minus strand). Cytogenetic location: 17q23.2.
Variant type: Deletion.
Coding change: c.1661del on transcript NM_032043.3 (MANE Select); coding-DNA position 1661, one base deleted (A; older notation c.1661delA).
Protein change: p.Gln554fs; shifts the reading frame from glutamine 554.
Molecular consequence: frameshift variant.
Genome position (GRCh38, 1-based): chr17:61,780,973, T deleted on the plus strand (A on the coding strand, the reverse complement: BRIP1 is on the minus strand). VCF-style (leftmost placement, unchanged base first): chr17-61780972-CT-C. GRCh37 (hg19) VCF-style: chr17-59858333-CT-C.
Other names: c.1661delA (NM_032043.2); short protein forms Q554fs.
Identifiers: ClinVar variation 579424 (VCV000579424.13), dbSNP rs749762964, ClinGen allele CA8690690.

ClinVar aggregate classification (germline): Pathogenic. Review status: criteria provided, multiple submitters, no conflicts (2 of 4 stars). 3 submissions from 3 submitters: Pathogenic (3). Last evaluated 2025-10-27.

Conditions:
Fanconi anemia complementation group J. Also called: BRIP1-Related Fanconi Anemia. Identifiers: Orphanet 84, MedGen C1836860, MONDO:0012187, OMIM 609054.
Familial cancer of breast. Also called: hereditary breast carcinoma; BREAST CANCER, FAMILIAL; Hereditary breast cancer. Identifiers: Orphanet 227535, MedGen C0346153, MONDO:0016419, OMIM 114480. Disease mechanism: loss of function.
Hereditary cancer-predisposing syndrome. Also called: Hereditary neoplastic syndrome; Tumor predisposition; Hereditary Cancer Syndrome; Neoplastic Syndromes, Hereditary. Identifiers: Orphanet 140162, MedGen C0027672, MeSH D009386, MONDO:0015356.

Allele frequency attached by ClinVar (database versions not stated): gnomAD exomes below 0.00001; ExAC 0.00001.

Submissions (3):

Labcorp Genetics (formerly Invitae), Labcorp
Classification: Pathogenic for Familial cancer of breast; Fanconi anemia complementation group J. Last evaluated: 2025-10-27. Review status: criteria provided, single submitter. Criteria: Invitae Variant Classification Sherloc (09022015). Collection method: clinical testing. Allele origin: germline.
Comment: This sequence change creates a premature translational stop signal (p.Gln554Argfs*36) in the BRIP1 gene. It is expected to result in an absent or disrupted protein product. Loss-of-function variants in BRIP1 are known to be pathogenic (PMID: 16116423, 17033622, 21964575). This variant is present in population databases (rs749762964, gnomAD no frequency). This variant has not been reported in the literature in individuals affected with BRIP1-related conditions. ClinVar contains an entry for this variant (Variation ID: 579424). For these reasons, this variant has been classified as Pathogenic.

Myriad Genetics, Inc.
Classification: Pathogenic for Familial cancer of breast. Last evaluated: 2023-06-05. Review status: criteria provided, single submitter. Criteria: Myriad Autosomal Dominant, Autosomal Recessive and X-Linked Classification Criteria (2023). Collection method: clinical testing. Allele origin: unknown.
Comment: This variant is considered pathogenic. This variant creates a frameshift predicted to result in premature protein truncation.

Ambry Genetics
Classification: Pathogenic for Hereditary cancer-predisposing syndrome. Last evaluated: 2023-03-06. Review status: criteria provided, single submitter. Criteria: Ambry Variant Classification Scheme 2023. Collection method: clinical testing. Allele origin: germline.
Comment: The c.1661delA pathogenic mutation, located in coding exon 11 of the BRIP1 gene, results from a deletion of one nucleotide at nucleotide position 1661, causing a translational frameshift with a predicted alternate stop codon (p.Q554Rfs*36). This variant is considered to be rare based on population cohorts in the Genome Aggregation Database (gnomAD). This alteration is expected to result in loss of function by premature protein truncation or nonsense-mediated mRNA decay. As such, this alteration is interpreted as a disease-causing mutation.

Literature cited by the submitters: PubMed 16116423 (cited by Labcorp Genetics (formerly Invitae), Labcorp); PubMed 17033622 (cited by Labcorp Genetics (formerly Invitae), Labcorp); PubMed 21964575 (cited by Labcorp Genetics (formerly Invitae), Labcorp).